The following is an entry in ClinVar:

ClinVar aggregate classification (germline): Uncertain significance (1 of 4 stars; one submission).

Conditions:
Long QT syndrome (LQTS). Identifiers: MedGen C0023976, MeSH D008133, MONDO:0002442. Disease mechanism: loss of function. Inheritance: Various modes of inheritance.

Allele frequency attached by ClinVar (database versions not stated): TOPMed below 0.00001.
gnomAD v4.1: 5 of 1,613,762 alleles (0.00031%); highest among the groups gnomAD compares: East Asian, 0.011%; no homozygotes.

Submission:

Labcorp Genetics (formerly Invitae), Labcorp
Classification: Uncertain significance for Long QT syndrome. Last evaluated: 2021-09-08. Review status: criteria provided, single submitter. Criteria: Invitae Variant Classification Sherloc (09022015). Collection method: clinical testing. Allele origin: germline.
Comment: This sequence change replaces leucine with valine at codon 1128 of the ANK2 protein (p.Leu1128Val). The leucine residue is highly conserved and there is a small physicochemical difference between leucine and valine. This variant is not present in population databases (ExAC no frequency). This missense change has been observed in individual(s) with Brugada syndrome (PMID: 27784853). Algorithms developed to predict the effect of missense changes on protein structure and function are either unavailable or do not agree on the potential impact of this missense change (SIFT: "Deleterious"; PolyPhen-2: "Probably Damaging"; Align-GVGD: "Class C15"). Algorithms developed to predict the effect of sequence changes on RNA splicing suggest that this variant may create or strengthen a splice site. In summary, the available evidence is currently insufficient to determine the role of this variant in disease. Therefore, it has been classified as a Variant of Uncertain Significance.

Literature cited by the submitters: PubMed 27784853.

NM_001148.6(ANK2):c.3382C>G (p.Leu1128Val)

Gene: ANK2 (ankyrin 2; plus strand). Cytogenetic location: 4q26.
Variant type: single nucleotide variant.
Coding change: c.3382C>G on transcript NM_001148.6 (MANE Select); coding-DNA position 3382, C replaced by G.
Protein change: p.Leu1128Val; replaces leucine 1128 with valine.
Molecular consequence: missense variant.
Genome position (GRCh38, 1-based): chr4:113,335,848, C>G. VCF-style: chr4-113335848-C-G. GRCh37 (hg19) VCF-style: chr4-114257004-C-G.
Other names: c.3355C>G, p.Leu1119Val (NM_001127493.3); c.3394C>G, p.Leu1132Val (NM_001354225.2); c.3283C>G, p.Leu1095Val (NM_001354228.2, NM_001354258.2); c.3361C>G, p.Leu1121Val (NM_001354230.2); c.3424C>G, p.Leu1142Val (NM_001354231.2, NM_001354242.2); c.3418C>G, p.Leu1140Val (NM_001354232.2); c.3379C>G, p.Leu1127Val (NM_001354235.2, NM_001354246.2, NM_001354265.2); c.3280C>G, p.Leu1094Val (NM_001354236.2); and 30 more; short protein forms L1041V, L1066V, L1073V, L1081V, L1107V, L1123V, L1140V, L1147V.
Identifiers: ClinVar variation 1413597 (VCV001413597.6), dbSNP rs1163043823, ClinGen allele CA357937209.